The following is an entry in ClinVar:

ClinVar aggregate classification (germline): Benign/Likely benign. Review status: criteria provided, multiple submitters, no conflicts (2 of 4 stars). 2 submissions from 2 submitters: Benign (1); Likely benign (1). Last evaluated 2026-01-27.

Conditions:
Hereditary cancer-predisposing syndrome. Also called: Hereditary Cancer Syndrome; Neoplastic Syndromes, Hereditary; Tumor predisposition; Hereditary neoplastic syndrome. Identifiers: Orphanet 140162, MedGen C0027672, MeSH D009386, MONDO:0015356.
Multiple endocrine neoplasia, type 1 (MEN1). Also called: MEN I; WERMER SYNDROME; Endocrine adenomatosis multiple; MEN 1; MEA I. Identifiers: Orphanet 652, MedGen C0025267, MeSH D018761, MONDO:0007540, OMIM 131100.

Submissions (2):

Ambry Genetics
Classification: Likely benign for Hereditary cancer-predisposing syndrome. Last evaluated: 2026-01-27. Review status: criteria provided, single submitter. Criteria: Ambry Variant Classification Scheme 2023. Collection method: clinical testing. Allele origin: germline.

Myriad Genetics, Inc.
Classification: Benign for Multiple endocrine neoplasia, type 1. Last evaluated: 2024-11-05. Review status: criteria provided, single submitter. Criteria: Myriad Autosomal Dominant, Autosomal Recessive and X-Linked Classification Criteria (2023). Collection method: clinical testing. Allele origin: unknown.
Comment: This variant is considered benign. This variant is a silent/synonymous amino acid change and it is not expected to impact splicing.

NM_001370259.2(MEN1):c.1581A>T (p.Arg527=)

Gene: MEN1 (menin 1; minus strand). Cytogenetic location: 11q13.1.
Variant type: single nucleotide variant.
Coding change: c.1581A>T on transcript NM_001370259.2 (MANE Select); coding-DNA position 1581, A replaced by T.
Protein change: p.Arg527=; no amino-acid change (arginine 527 retained).
Molecular consequence: synonymous variant. On other transcripts: non-coding transcript variant (4).
Genome position (GRCh38, 1-based): chr11:64,804,586, T>A on the plus strand (A>T on the coding strand, the complement: MEN1 is on the minus strand). VCF-style: chr11-64804586-T-A. GRCh37 (hg19) VCF-style: chr11-64572058-T-A.
Other names: c.1596A>T, p.Arg532= (NM_000244.4, NM_001407145.1, NM_130800.3 and 4 more transcripts); c.1707A>T, p.Arg569= (NM_001370251.2, NM_001407142.1, NM_001407143.1 and 1 more transcripts); c.1581A>T, p.Arg527= (NM_001370260.2, NM_001370261.2, NM_001407146.1 and 2 more transcripts); c.1476A>T, p.Arg492= (NM_001370262.2, NM_001370263.2, NM_001407148.1 and 1 more transcripts); c.1722A>T, p.Arg574= (NM_001407150.1); c.1602A>T, p.Arg534= (NM_001407151.1); c.1416A>T, p.Arg472= (NM_001407152.1).
Identifiers: ClinVar variation 3773379 (VCV003773379.2).
Genomic context (GRCh38, chr11:64,804,586, plus strand): 5'-CTCCGGCGGTGGTGATGCTGTGGGTGCTGGCACCTGAGCCGTGCTGCCACCTTCAGGGCC[T>A]CGGGCTGTGCCAGCGACAGTCCCAGGAGGCTTCCGGGGGGGTCCTGACACTGCACCCTGG-3'
Protein context (NP_001357188.2, residues 517-537): KPPGTVAGTA[Arg527=]GPEGGSTAQV